The following is an entry in ClinVar:

ClinVar aggregate classification (germline): Likely benign. Review status: criteria provided, multiple submitters, no conflicts (2 of 4 stars). 4 submissions from 4 submitters: Likely benign (4). Last evaluated 2025-11-26.

Conditions:
TTN-related disorder. Also called: TTN-related disorders; TTN-related condition; TTN-related disease.
Cardiovascular phenotype. Identifiers: MedGen CN230736.
Dilated cardiomyopathy 1G (CMD1G). Identifiers: Orphanet 154, MedGen C1858763, MONDO:0011400, OMIM 604145.
Autosomal recessive limb-girdle muscular dystrophy type 2J (LGMDR10). Also called: Limb-girdle muscular dystrophy, type 2J; MUSCULAR DYSTROPHY, LIMB-GIRDLE, AUTOSOMAL RECESSIVE 10. Identifiers: Orphanet 140922, MedGen C1837342, MONDO:0012127, OMIM 608807.

Allele frequency attached by ClinVar (database versions not stated): gnomAD exomes below 0.00001; gnomAD 0.00002; TOPMed 0.00005; ESP Exome Variant Server 0.00008.
gnomAD v4.1: 8 of 1,613,494 alleles (0.0005%); highest among the groups gnomAD compares: African/African-American, 0.011%; no homozygotes.

Submissions (4):

Labcorp Genetics (formerly Invitae), Labcorp
Classification: Likely benign for Dilated cardiomyopathy 1G; Autosomal recessive limb-girdle muscular dystrophy type 2J. Last evaluated: 2025-11-26. Review status: criteria provided, single submitter. Criteria: Invitae Variant Classification Sherloc (09022015). Collection method: clinical testing. Allele origin: germline.

PreventionGenetics, part of Exact Sciences
Classification: Likely benign for TTN-related condition. Last evaluated: 2025-07-24. Review status: criteria provided, single submitter. Criteria: ACMG Guidelines, 2015. Collection method: clinical testing. Allele origin: germline.
Comment: This variant is classified as likely benign based on ACMG/AMP sequence variant interpretation guidelines (Richards et al. 2015 PMID: 25741868, with internal and published modifications).

Ambry Genetics
Classification: Likely benign for Cardiovascular phenotype. Last evaluated: 2022-04-29. Review status: criteria provided, single submitter. Criteria: Ambry Variant Classification Scheme 2023. Collection method: clinical testing. Allele origin: germline.

Laboratory for Molecular Medicine, Mass General Brigham Personalized Medicine
Classification: Likely benign. Last evaluated: 2012-03-19. Review status: criteria provided, single submitter. Criteria: LMM Criteria. Collection method: clinical testing. Allele origin: germline. Observed: 1 variant allele.
Comment: p.Thr16897Thr in exon 246 of TTN: This variant is not expected to have clinical significance because it does not alter an amino acid residue and is not located within the splice consensus sequence. It has been identified in 1/3272 African A merican chromosomes from a broad population by the NHLBI Exome Sequencing Projec t.

NM_001267550.2(TTN):c.58395A>G (p.Thr19465=)

Genes: TTN-AS1 (TTN antisense RNA 1; plus strand), TTN (titin; minus strand). Cytogenetic location: 2q31.2.
Variant type: single nucleotide variant.
Coding change: c.58395A>G on transcript NM_001267550.2 (MANE Select); coding-DNA position 58395, A replaced by G.
Protein change: p.Thr19465=; no amino-acid change (threonine 19465 retained).
Molecular consequence: synonymous variant.
Genome position (GRCh38, 1-based): chr2:178,593,998, T>C on the plus strand (A>G on the coding strand, the complement: TTN is on the minus strand). VCF-style: chr2-178593998-T-C. GRCh37 (hg19) VCF-style: chr2-179458725-T-C.
Other names: c.53472A>G, p.Thr17824= (NM_001256850.1); c.31200A>G, p.Thr10400= (NM_003319.4); c.31575A>G, p.Thr10525= (NM_133432.3); c.31776A>G, p.Thr10592= (NM_133437.4); c.50691A>G, p.Thr16897= (NM_133378.4).
Identifiers: ClinVar variation 228113 (VCV000228113.17), dbSNP rs375134177, ClinGen allele CA10576507.
Genomic context (GRCh38, chr2:178,593,998, plus strand): 5'-TCTTTCCACTAAATAAGACTTACCAACAACATTAACTTGACAGAAACCTTTCCTAGAGCC[T>C]GTACTGTTCTCCACAACCACACAGTATTTGCCGGAATCTGAACGTTTGGCCTTGATCTTC-3'
Protein context (NP_001254479.2, residues 19455-19475): GKYCVVVENS[Thr19465=]GSRKGFCQVN